The following is an entry in ClinVar:

NM_000059.4(BRCA2):c.2565_2569del (p.Asn856fs)

Gene: BRCA2 (BRCA2 DNA repair associated; plus strand). Cytogenetic location: 13q13.1.
Variant type: Deletion.
Coding change: c.2565_2569del on transcript NM_000059.4 (MANE Select); coding-DNA positions 2565 to 2569, 5 bases deleted (AAATC; older notation c.2565_2569delAAATC).
Protein change: p.Asn856fs; shifts the reading frame from asparagine 856.
Molecular consequence: frameshift variant. On other transcripts: non-coding transcript variant (1), intron variant (2).
Genome position (GRCh38, 1-based): chr13:32,336,920-32,336,924, AAATC deleted; deleting any 5 consecutive bases within chr13:32,336,919-32,336,924 gives the same sequence; the c. name uses the placement nearest the transcript's 3' end. VCF-style (leftmost placement, unchanged base first): chr13-32336918-ACAAAT-A. GRCh37 (hg19) VCF-style: chr13-32911055-ACAAAT-A.
Other names: c.2565_2569del, p.Asn856fs (NM_001406719.1, NM_001406720.1, NM_001432077.1); c.1909+3533_1909+3537del (NM_001406721.1); c.424+5890_424+5894del (NM_001406722.1); short protein forms N856fs.
Identifiers: ClinVar variation 3893699 (VCV003893699.1).
Genomic context (GRCh38, chr13:32,336,918, plus strand): 5'-CCACCTGAAAAATACATGAGAGTAGCATCACCTTCAAGAAAGGTACAATTCAACCAAAAC[ACAAAT>A]CTAAGAGTAATCCAAAAAAATCAAGAAGAAACTACTTCAATTTCAAAAATAACTGTCAAT-3'

ClinVar aggregate classification (germline): Pathogenic (1 of 4 stars; one submission).

Conditions:
Hereditary cancer-predisposing syndrome. Also called: Neoplastic Syndromes, Hereditary; Tumor predisposition; Hereditary Cancer Syndrome; Hereditary neoplastic syndrome. Identifiers: Orphanet 140162, MedGen C0027672, MeSH D009386, MONDO:0015356.

Submission:

Color Diagnostics, LLC DBA Color Health
Classification: Pathogenic for Hereditary cancer-predisposing syndrome. Last evaluated: 2022-11-07. Review status: criteria provided, single submitter. Criteria: ACMG Guidelines, 2015. Collection method: clinical testing. Allele origin: germline.
Comment: This variant deletes 5 nucleotides in exon 11 of the BRCA2 gene, creating a frameshift and premature translation stop signal. This variant is expected to result in an absent or non-functional protein product. To our knowledge, this variant has not been reported in individuals affected with BRCA2-related disorders in the literature. This variant has not been identified in the general population by the Genome Aggregation Database (gnomAD). Loss of BRCA2 function is a known mechanism of disease. Based on the available evidence, this variant is classified as Pathogenic.